The following is an entry in ClinVar:

ClinVar aggregate classification (germline): Uncertain significance. Review status: criteria provided, multiple submitters, no conflicts (2 of 4 stars). 3 submissions from 3 submitters: Uncertain significance (3). Last evaluated 2025-10-24.

Allele frequency attached by ClinVar (database versions not stated): ESP Exome Variant Server 0.00008; TOPMed 0.00011; ExAC 0.00012; gnomAD 0.00013; 1000 Genomes Project 30x 0.00047; 1000 Genomes Project 0.00060.
gnomAD v4.1: 125 of 1,614,126 alleles (0.0077%); highest among the groups gnomAD compares: East Asian, 0.071%; no homozygotes.

Submissions (3):

Ambry Genetics
Classification: Uncertain significance. Last evaluated: 2025-10-24. Review status: criteria provided, single submitter. Criteria: Ambry Variant Classification Scheme 2023. Collection method: clinical testing. Allele origin: germline.

Labcorp Genetics (formerly Invitae), Labcorp
Classification: Uncertain significance. Last evaluated: 2025-08-04. Review status: criteria provided, single submitter. Criteria: Invitae Variant Classification Sherloc (09022015). Collection method: clinical testing. Allele origin: germline.
Comment: This sequence change replaces asparagine, which is neutral and polar, with serine, which is neutral and polar, at codon 604 of the ZNF143 protein (p.Asn604Ser). This variant is present in population databases (rs200965856, gnomAD 0.05%). This variant has not been reported in the literature in individuals affected with ZNF143-related conditions. ClinVar contains an entry for this variant (Variation ID: 2049430). An algorithm developed to predict the effect of missense changes on protein structure and function (PolyPhen-2) suggests that this variant is likely to be disruptive. In summary, the available evidence is currently insufficient to determine the role of this variant in disease. Therefore, it has been classified as a Variant of Uncertain Significance.

Mayo Clinic Laboratories, Mayo Clinic
Classification: Uncertain significance. Last evaluated: 2024-11-13. Review status: criteria provided, single submitter. Criteria: ACMG Guidelines, 2015. Collection method: clinical testing. Allele origin: germline. Observed: 1 variant allele.
Comment: BP4

NM_003442.6(ZNF143):c.1811A>G (p.Asn604Ser)

Gene: ZNF143 (zinc finger protein 143; plus strand). Cytogenetic location: 11p15.4.
Variant type: single nucleotide variant.
Coding change: c.1811A>G on transcript NM_003442.6 (MANE Select); coding-DNA position 1811, A replaced by G.
Protein change: p.Asn604Ser; replaces asparagine 604 with serine.
Molecular consequence: missense variant.
Genome position (GRCh38, 1-based): chr11:9,525,364, A>G. VCF-style: chr11-9525364-A-G. GRCh37 (hg19) VCF-style: chr11-9546911-A-G.
Other names: p.Asn604Ser; c.1811A>G (NM_003442.5); c.1808A>G, p.Asn603Ser (NM_001282656.2); c.1718A>G, p.Asn573Ser (NM_001282657.2); short protein forms N573S, N603S, N604S.
Identifiers: ClinVar variation 2049430 (VCV002049430.5), dbSNP rs200965856, ClinGen allele CA5879725.